The following is an entry in ClinVar:

NM_000256.3(MYBPC3):c.2163C>T (p.Thr721=)

Gene: MYBPC3 (myosin binding protein C3; minus strand). Cytogenetic location: 11p11.2.
Variant type: single nucleotide variant.
Coding change: c.2163C>T on transcript NM_000256.3 (MANE Select); coding-DNA position 2163, C replaced by T.
Protein change: p.Thr721=; no amino-acid change (threonine 721 retained).
Molecular consequence: synonymous variant.
Genome position (GRCh38, 1-based): chr11:47,338,665, G>A on the plus strand (C>T on the coding strand, the complement: MYBPC3 is on the minus strand). VCF-style: chr11-47338665-G-A. GRCh37 (hg19) VCF-style: chr11-47360216-G-A.
Identifiers: ClinVar variation 42601 (VCV000042601.19), dbSNP rs397515951, ClinGen allele CA011788.
Genomic context (GRCh38, chr11:47,338,665, plus strand): 5'-TGCCCCCTCGACCGTGAAGATGCTGCGGTCCTTGGTGGTCTCCACGCGGACCCGGCCCTC[G>A]GTCTCACACAGCAGCTGGGGGGGTGCAGAGTTGGGGTGAGATCCAAGTCAGACCCCAGAG-3'
Protein context (NP_000247.2, residues 711-731): WVFDKKLLCE[Thr721=]EGRVRVETTK

ClinVar aggregate classification (germline): Benign/Likely benign. Review status: criteria provided, multiple submitters, no conflicts (2 of 4 stars). 6 submissions from 6 submitters: Benign (1); Likely benign (5). Last evaluated 2024-12-08.

Conditions:
Cardiovascular phenotype. Identifiers: MedGen CN230736.
Cardiomyopathy (CMYO). Also called: Cardiomyopathies. Identifiers: Orphanet 167848, MedGen C0878544, MONDO:0004994, HP:0001638. Inheritance: Various modes of inheritance.
Hypertrophic cardiomyopathy. Also called: HYPERTROPHIC MYOCARDIOPATHY. Identifiers: Orphanet 217569, MedGen C0007194, MeSH D002312, MONDO:0005045, HP:0001639.

Allele frequency attached by ClinVar (database versions not stated): gnomAD 0.00002; TOPMed 0.00002.
gnomAD v4.1: 18 of 1,612,070 alleles (0.0011%); highest among the groups gnomAD compares: South Asian, 0.0055%; no homozygotes.

Submissions (6):

Labcorp Genetics (formerly Invitae), Labcorp
Classification: Likely benign for Hypertrophic cardiomyopathy. Last evaluated: 2024-12-08. Review status: criteria provided, single submitter. Criteria: Invitae Variant Classification Sherloc (09022015). Collection method: clinical testing. Allele origin: germline.

All of Us Research Program, National Institutes of Health
Classification: Likely benign for Hypertrophic cardiomyopathy. Last evaluated: 2023-08-28. Review status: criteria provided, single submitter. Criteria: ACMG Guidelines, 2015. Collection method: clinical testing. Allele origin: germline. Inheritance: Autosomal dominant inheritance. Observed: 4 variant alleles, 4 heterozygotes.
Comment: This study involves interpretation of variants in research participants for the purpose of population health screening. Participant phenotype was not available at the time of variant classification. Additional details can be found in publication PMID: 35346344, PMCID: PMC8962531

Ambry Genetics
Classification: Likely benign for Cardiovascular phenotype. Last evaluated: 2022-11-07. Review status: criteria provided, single submitter. Criteria: Ambry Variant Classification Scheme 2023. Collection method: clinical testing. Allele origin: germline.

Color Diagnostics, LLC DBA Color Health
Classification: Likely benign for Cardiomyopathy. Last evaluated: 2018-11-30. Review status: criteria provided, single submitter. Criteria: ACMG Guidelines, 2015. Collection method: clinical testing. Allele origin: germline.

GeneDx
Classification: Benign. Last evaluated: 2015-03-03. Review status: criteria provided, single submitter. Criteria: GeneDx Variant Classification Process June 2021. Collection method: clinical testing. Allele origin: germline. Affected: yes.

Laboratory for Molecular Medicine, Mass General Brigham Personalized Medicine
Classification: Likely benign. Last evaluated: 2008-03-01. Review status: criteria provided, single submitter. Criteria: LMM Criteria. Collection method: clinical testing. Allele origin: germline. Observed: 1 variant allele.